The following is an entry in ClinVar:

NM_001042492.3(NF1):c.8124del (p.Phe2708fs)

Gene: NF1 (neurofibromin 1; plus strand). Cytogenetic location: 17q11.2.
Variant type: Deletion.
Coding change: c.8124del on transcript NM_001042492.3 (MANE Select); coding-DNA position 8124, one base deleted (T; older notation c.8124delT).
Protein change: p.Phe2708fs; shifts the reading frame from phenylalanine 2708.
Molecular consequence: frameshift variant.
Genome position (GRCh38, 1-based): chr17:31,358,979, T deleted; the last of 4 consecutive T bases (chr17:31,358,976-31,358,979); deleting any one gives the same sequence. VCF-style (leftmost placement, unchanged base first): chr17-31358975-GT-G. GRCh37 (hg19) VCF-style: chr17-29685993-GT-G.
Other names: c.8061delT, p.Phe2687Leufs (NM_000267.4); short protein forms F2708fs, F2687fs.
Identifiers: ClinVar variation 3665612 (VCV003665612.2).

ClinVar aggregate classification (germline): Pathogenic (1 of 4 stars; one submission).

Conditions:
Neurofibromatosis, type 1 (NF1). Also called: VON RECKLINGHAUSEN DISEASE; NEUROFIBROMATOSIS, TYPE I, SOMATIC; Neurofibromatosis, type I; Peripheral type neurofibromatosis. Identifiers: Orphanet 636, MedGen C0027831, MONDO:0018975, OMIM 162200. Disease mechanism: loss of function.

Submission:

Labcorp Genetics (formerly Invitae), Labcorp
Classification: Pathogenic for Neurofibromatosis, type 1. Last evaluated: 2024-02-20. Review status: criteria provided, single submitter. Criteria: Invitae Variant Classification Sherloc (09022015). Collection method: clinical testing. Allele origin: germline.
Comment: This sequence change creates a premature translational stop signal (p.Phe2687Leufs*31) in the NF1 gene. It is expected to result in an absent or disrupted protein product. Loss-of-function variants in NF1 are known to be pathogenic (PMID: 10712197, 23913538). This variant is not present in population databases (gnomAD no frequency). This variant has not been reported in the literature in individuals affected with NF1-related conditions. For these reasons, this variant has been classified as Pathogenic.

Literature cited by the submitters: PubMed 10712197; PubMed 23913538.